The following is an entry in ClinVar:

ClinVar aggregate classification (germline): Uncertain significance (1 of 4 stars; one submission).

Allele frequency attached by ClinVar (database versions not stated): gnomAD 0.00001; TOPMed 0.00002.
gnomAD v4.1: 1 of 1,613,272 alleles (0.000062%); highest among the groups gnomAD compares: Non-Finnish European, 0.000085%; no homozygotes.

Submission:

Labcorp Genetics (formerly Invitae), Labcorp
Classification: Uncertain significance. Last evaluated: 2021-06-01. Review status: criteria provided, single submitter. Criteria: Invitae Variant Classification Sherloc (09022015). Collection method: clinical testing. Allele origin: germline.
Comment: In summary, the available evidence is currently insufficient to determine the role of this variant in disease. Therefore, it has been classified as a Variant of Uncertain Significance. Algorithms developed to predict the effect of missense changes on protein structure and function are either unavailable or do not agree on the potential impact of this missense change (SIFT: "Tolerated"; PolyPhen-2: "Possibly Damaging"; Align-GVGD: "Class C0"). This variant has not been reported in the literature in individuals with RUSC2-related conditions. This variant is not present in population databases (ExAC no frequency). This sequence change replaces serine with arginine at codon 660 of the RUSC2 protein (p.Ser660Arg). The serine residue is moderately conserved and there is a moderate physicochemical difference between serine and arginine.

NM_014806.5(RUSC2):c.1980C>G (p.Ser660Arg)

Gene: RUSC2 (RUN and SH3 domain containing 2; plus strand). Cytogenetic location: 9p13.3.
Variant type: single nucleotide variant.
Coding change: c.1980C>G on transcript NM_014806.5 (MANE Select); coding-DNA position 1980, C replaced by G.
Protein change: p.Ser660Arg; replaces serine 660 with arginine.
Molecular consequence: missense variant. On other transcripts: intron variant (1).
Genome position (GRCh38, 1-based): chr9:35,548,501, C>G. VCF-style: chr9-35548501-C-G. GRCh37 (hg19) VCF-style: chr9-35548498-C-G.
Other names: c.1980C>G, p.Ser660Arg (NM_001135999.2); c.-620-6559C>G (NM_001330740.2); short protein forms S660R.
Identifiers: ClinVar variation 1403459 (VCV001403459.8), dbSNP rs1200766718, ClinGen allele CA373337260.